The following is an entry in ClinVar:

ClinVar aggregate classification (germline): Uncertain significance (1 of 4 stars; one submission).

Conditions:
Autosomal recessive severe congenital neutropenia due to CSF3R deficiency. Also called: Neutropenia, severe congenital, 7, autosomal recessive. Identifiers: Orphanet 420702, MedGen C4310764, MONDO:0014865, OMIM 617014.

Allele frequency attached by ClinVar (database versions not stated): gnomAD exomes 0.00001; TOPMed 0.00002.
gnomAD v4.1: 8 of 1,613,440 alleles (0.0005%); highest among the groups gnomAD compares: Admixed American, 0.005%; no homozygotes.

Submission:

Labcorp Genetics (formerly Invitae), Labcorp
Classification: Uncertain significance for Autosomal recessive severe congenital neutropenia due to CSF3R deficiency. Last evaluated: 2025-10-18. Review status: criteria provided, single submitter. Criteria: Invitae Variant Classification Sherloc (09022015). Collection method: clinical testing. Allele origin: germline.
Comment: This sequence change replaces arginine, which is basic and polar, with glutamine, which is neutral and polar, at codon 826 of the CSF3R protein (p.Arg826Gln). This variant is present in population databases (no rsID available, gnomAD 0.006%). This variant has not been reported in the literature in individuals affected with CSF3R-related conditions. ClinVar contains an entry for this variant (Variation ID: 1019000). An algorithm developed to predict the effect of missense changes on protein structure and function outputs the following: PolyPhen-2: "Benign". The glutamine amino acid residue is found in multiple mammalian species, which suggests that this missense change does not adversely affect protein function. In summary, the available evidence is currently insufficient to determine the role of this variant in disease. Therefore, it has been classified as a Variant of Uncertain Significance.

NM_000760.4(CSF3R):c.2477G>A (p.Arg826Gln)

Gene: CSF3R (colony stimulating factor 3 receptor; minus strand). Cytogenetic location: 1p34.3.
Variant type: single nucleotide variant.
Coding change: c.2477G>A on transcript NM_000760.4 (MANE Select); coding-DNA position 2477, G replaced by A.
Protein change: p.Arg826Gln; replaces arginine 826 with glutamine.
Molecular consequence: missense variant. On other transcripts: intron variant (1).
Genome position (GRCh38, 1-based): chr1:36,466,391, C>T on the plus strand (G>A on the coding strand, the complement: CSF3R is on the minus strand). VCF-style: chr1-36466391-C-T. GRCh37 (hg19) VCF-style: chr1-36931992-C-T.
Other names: c.2558G>A, p.Arg853Gln (NM_156039.3); c.2248-191G>A (NM_172313.3); c.2477G>A (NM_000760.3); short protein forms R826Q, R853Q.
Identifiers: ClinVar variation 1019000 (VCV001019000.9), dbSNP rs1332794856, ClinGen allele CA339412673.